The following is an entry in ClinVar:

NM_000256.3(MYBPC3):c.3404ACT[1] (p.Tyr1136del)

Gene: MYBPC3 (myosin binding protein C3; minus strand). Cytogenetic location: 11p11.2.
Variant type: Microsatellite.
Coding change: c.3404ACT[1] on transcript NM_000256.3 (MANE Select); one copy of the 3-base unit ACT starting at c.3404; the reference has two copies in a row; one copy, 3 bases deleted.
Protein change: p.Tyr1136del; deletes tyrosine 1136.
Molecular consequence: inframe deletion.
Genome position (GRCh38, 1-based): chr11:47,332,895-47,332,897, AGT deleted on the plus strand (ACT on the coding strand, the reverse complement: MYBPC3 is on the minus strand); deleting any 3 consecutive bases within chr11:47,332,895-47,332,902 gives the same sequence; the position shown is the placement nearest the transcript's 3' end. VCF-style (leftmost placement, unchanged base first): chr11-47332894-AAGT-A. GRCh37 (hg19) VCF-style: chr11-47354445-AAGT-A.
Other names: c.3407_3409delACT (NM_000256.3); short protein forms Y1136del.
Identifiers: ClinVar variation 181102 (VCV000181102.33), dbSNP rs730880674, ClinGen allele CA014090.

ClinVar aggregate classification (germline): Conflicting classifications of pathogenicity. Review status: criteria provided, conflicting classifications (1 of 4 stars). 19 submissions from 18 submitters: Pathogenic (3); Likely pathogenic (12); Uncertain significance (1). 3 of the submissions do not count toward it. Last evaluated 2026-09-22.

Conditions:
Cardiovascular phenotype. Identifiers: MedGen CN230736.
Cardiomyopathy (CMYO). Also called: Cardiomyopathies. Identifiers: Orphanet 167848, MedGen C0878544, MONDO:0004994, HP:0001638. Inheritance: Various modes of inheritance.
Brugada syndrome. Also called: Sudden unexpected nocturnal death syndrome; Sudden Unexplained Death Syndrome; Sudden Unexplained Nocturnal Death Syndrome (SUNDS); Sudden unexplained nocturnal death syndrome. Identifiers: Orphanet 130, MedGen C1142166, MONDO:0015263.
Hypertrophic cardiomyopathy 4. Also called: Familial hypertrophic cardiomyopathy 4. Identifiers: MedGen C1861862, MONDO:0007268, OMIM 115197.
Hypertrophic cardiomyopathy. Also called: HYPERTROPHIC MYOCARDIOPATHY. Identifiers: Orphanet 217569, MedGen C0007194, MeSH D002312, MONDO:0005045, HP:0001639.
MYBPC3-related disorder. Also called: MYBPC3-related disorders; MYBPC3-related condition; MYBPC3-related disease.
Left ventricular noncompaction 10 (LVNC10). Identifiers: Orphanet 154, Orphanet 54260, MedGen C3715165, MONDO:0014163, OMIM 615396.

Submissions (19):

GeneDx
Classification: Likely pathogenic. Last evaluated: 2026-09-22. Review status: criteria provided, single submitter. Criteria: GeneDx Variant Classification Process June 2021. Collection method: clinical testing. Allele origin: germline.
Comment: Not observed at significant frequency in large population cohorts (gnomAD); In-frame deletion of 1 amino acid(s) in a non-repeat region; In silico analysis does not support a benign or deleterious effect of this variant on protein structure/function; This variant is associated with the following publications: (PMID: 23508784, 26914223, 33673806, 35626289, 37652022, 35176171, 33495596, 32841044, 31323898, 23396983, 29875424, 30685992, 24835277, 36264615, 37334785, 38456273, 33495597, 31513939, 38002985)

Institute of Human Genetics, University of Leipzig Medical Center
Classification: Likely pathogenic for Hypertrophic cardiomyopathy 4. Last evaluated: 2026-07-03. Review status: criteria provided, single submitter. Criteria: ACMG Guidelines, 2015. Collection method: clinical testing. Allele origin: unknown. Affected: yes.
Comment: Criteria applied: PS4,PM2_SUP,PM4

Labcorp Genetics (formerly Invitae), Labcorp
Classification: Likely pathogenic for Hypertrophic cardiomyopathy. Last evaluated: 2026-01-04. Review status: criteria provided, single submitter. Criteria: Invitae Variant Classification Sherloc (09022015). Collection method: clinical testing. Allele origin: germline.
Comment: This variant, c.3407_3409del, results in the deletion of 1 amino acid(s) of the MYBPC3 protein (p.Tyr1136del), but otherwise preserves the integrity of the reading frame. This variant is not present in population databases (gnomAD no frequency). This variant has been observed in individuals with hypertrophic cardiomyopathy (PMID: 23508784, 26914223, 30685992, 31513939, 33673806, 35626289; internal data). ClinVar contains an entry for this variant (Variation ID: 181102). Experimental studies and prediction algorithms are not available or were not evaluated, and the functional significance of this variant is currently unknown. In summary, the currently available evidence indicates that the variant is pathogenic, but additional data are needed to prove that conclusively. Therefore, this variant has been classified as Likely Pathogenic.

Blueprint Genetics
Classification: Pathogenic for MYBPC3-related disorders. Last evaluated: 2024-06-17. Review status: criteria provided, single submitter. Criteria: ACMG Guidelines, 2015. Collection method: clinical testing. Allele origin: germline. Affected: yes. Observed: 5 variant alleles.

Ambry Genetics
Classification: Likely pathogenic for Cardiovascular phenotype. Last evaluated: 2023-11-27. Review status: criteria provided, single submitter. Criteria: Ambry Variant Classification Scheme 2023. Collection method: clinical testing. Allele origin: germline.
Comment: The c.3407_3409delACT variant (also known as p.Y1136del) is located in coding exon 31 of the MYBPC3 gene. This variant results from an in-frame ACT deletion at nucleotide positions 3407 to 3409. This results in the in-frame deletion of a tyrosine at codon 1136. This alteration has been reported in several individuals with hypertrophic cardiomyopathy (HCM) (Lopes LR et al. J Med Genet, 2013 Apr;50:228-39; Sequeira V et al. Circ. Res., 2013 May;112:1491-505; Witjas-Paalberends ER et al. Cardiovasc. Res., 2014 Jul;103:248-57; Murphy SL et al. J Cardiovasc Transl Res, 2016 Apr;9:153-61; Dorsch LM et al. Cells, 2019 07;8:[ePub ahead of print]; Mazzarotto F et al. Genet Med, 2019 02;21:284-292; Nagyova E et al. Bratisl Lek Listy, 2019 Oct;120:46-51; Robyns T et al. Eur J Med Genet, 2020 Mar;63:103754; Harper AR et al. Nat Genet, 2021 02;53:135-142; Hathaway J et al. BMC Cardiovasc Disord, 2021 03;21:126; Tadros R et al. Nat Genet, 2021 02;53:128-134; Ambry internal data). This variant is considered to be rare based on population cohorts in the Genome Aggregation Database (gnomAD). This amino acid position is not well conserved in available vertebrate species. In addition, this alteration is predicted to be deleterious by in silico analysis (Choi Y et al. PLoS ONE. 2012; 7(10):e46688). Based on the majority of available evidence to date, this variant is likely to be pathogenic.

All of Us Research Program, National Institutes of Health
Classification: Likely pathogenic for Hypertrophic cardiomyopathy. Last evaluated: 2023-11-13. Review status: criteria provided, single submitter. Criteria: ACMG Guidelines, 2015. Collection method: clinical testing. Allele origin: germline. Inheritance: Autosomal dominant inheritance. Observed: 1 variant allele, 1 heterozygote.
Comment: The c.3407_3409del (p.Tyr1136del) variant of the MYBPC3 gene leads to the deletion of 1 amino acid of the MYBPC3 protein (p.Tyr1136del), but otherwise preserves the integrity of the reading frame. This variant has been observed in individuals with hypertrophic cardiomyopathy (PMID: 24835277, 31323898, 29875424, 23508784, 33495596, 26914223, 30685992, 31513939, 33673806). This variant is not present in the general population by the Genome Aggregation Database (gnomAD). Therefore the c.3407_3409del (p.Tyr1136del) variant of the MYBPC3 gene is classified as likely pathogenic.

This study involves interpretation of variants in research participants for the purpose of population health screening. Participant phenotype was not available at the time of variant classification. Additional details can be found in publication PMID: 35346344, PMCID: PMC8962531

Institute of Human Genetics Munich, TUM University Hospital
Classification: Likely pathogenic for Hypertrophic cardiomyopathy 4. Last evaluated: 2023-04-24. Review status: criteria provided, single submitter. Criteria: Classification criteria August 2017. Collection method: clinical testing. Allele origin: germline. Inheritance: Autosomal dominant inheritance. Affected: yes. Observed: 1 variant allele.

CHEO Genetics Diagnostic Laboratory, Children's Hospital of Eastern Ontario
Classification: Likely pathogenic for Cardiomyopathy. Last evaluated: 2023-04-21. Review status: criteria provided, single submitter. Criteria: ACMG Guidelines, 2015. Collection method: clinical testing. Allele origin: germline. Study: Canadian Open Genetics Repository.

Baylor Genetics
Classification: Likely pathogenic for Left ventricular noncompaction 10. Last evaluated: 2022-12-08. Review status: criteria provided, single submitter. Criteria: ACMG Guidelines, 2015. Collection method: clinical testing. Allele origin: unknown.

Baylor Genetics
Classification: Likely pathogenic for Hypertrophic cardiomyopathy 4. Last evaluated: 2022-12-08. Review status: criteria provided, single submitter. Criteria: ACMG Guidelines, 2015. Collection method: clinical testing. Allele origin: unknown.

Clinical Genetics Laboratory, Region Ostergotland
Classification: Likely pathogenic for Hypertrophic cardiomyopathy 4. Last evaluated: 2021-02-24. Review status: criteria provided, single submitter. Criteria: ACMG Guidelines, 2015. Collection method: clinical testing. Allele origin: germline. Affected: yes.
Comment: PS4, PM2, PM4

Center for Human Genetics, University of Leuven
Classification: Likely pathogenic for Hypertrophic cardiomyopathy. Last evaluated: 2018-10-31. Review status: criteria provided, single submitter. Criteria: ACMG Guidelines, 2015. Collection method: clinical testing. Allele origin: germline. Affected: yes.

Genome Diagnostics Laboratory, University Medical Center Utrecht
Classification: Pathogenic for Hypertrophic cardiomyopathy 4. Last evaluated: 2017-10-26. Review status: criteria provided, single submitter. Criteria: ACGS Guidelines, 2013. Collection method: clinical testing. Allele origin: germline. Affected: yes. Study: VKGL Data-share Consensus.

Molecular Diagnostic Laboratory for Inherited Cardiovascular Disease, Montreal Heart Institute
Classification: Uncertain significance. Last evaluated: 2017-06-12. Review status: criteria provided, single submitter. Criteria: ACMG Guidelines, 2015. Collection method: clinical testing. Allele origin: germline. Affected: yes.

Clinical Genetics DNA and cytogenetics Diagnostics Lab, Erasmus MC, Erasmus Medical Center
Classification: Pathogenic for Hypertrophic cardiomyopathy 4. Last evaluated: 2017-05-31. Review status: criteria provided, single submitter. Criteria: ACGS Guidelines, 2013. Collection method: clinical testing. Allele origin: germline. Affected: yes. Study: VKGL Data-share Consensus.

Institute of Human Genetics, Medical University Innsbruck
Classification: Likely pathogenic for BRUGADA SYNDROME. Review status: criteria provided, single submitter. Criteria: ACMG Guidelines, 2015. Collection method: clinical testing. Allele origin: germline. Affected: yes.

Clinical Genetics, Academic Medical Center
Classification: Pathogenic. Review status: no assertion criteria provided. Collection method: clinical testing. Allele origin: germline. Affected: yes. Study: VKGL Data-share Consensus. Not counted in ClinVar's aggregate classification.

Diagnostic Laboratory, Department of Genetics, University Medical Center Groningen
Classification: Pathogenic. Review status: no assertion criteria provided. Collection method: clinical testing. Allele origin: germline. Affected: yes. Study: VKGL Data-share Consensus. Not counted in ClinVar's aggregate classification.

Joint Genome Diagnostic Labs from Nijmegen and Maastricht, Radboudumc and MUMC+
Classification: Pathogenic. Review status: no assertion criteria provided. Collection method: clinical testing. Allele origin: germline. Affected: yes. Study: VKGL Data-share Consensus. Not counted in ClinVar's aggregate classification.

Literature cited by the submitters: PubMed 23508784 (cited by 3 submitters); PubMed 26914223 (cited by 3 submitters); PubMed 30685992 (cited by 3 submitters); PubMed 31513939 (cited by 3 submitters); PubMed 33673806 (cited by 3 submitters); PubMed 35626289 (cited by Labcorp Genetics (formerly Invitae), Labcorp); PubMed 23396983 (cited by Ambry Genetics); PubMed 24835277 (cited by Ambry Genetics and All of Us Research Program, National Institutes of Health); PubMed 29875424 (cited by Ambry Genetics and All of Us Research Program, National Institutes of Health); PubMed 31323898 (cited by Ambry Genetics and All of Us Research Program, National Institutes of Health); PubMed 32841044 (cited by Ambry Genetics); PubMed 33495596 (cited by Ambry Genetics and All of Us Research Program, National Institutes of Health); PubMed 33495597 (cited by Ambry Genetics); PubMed 35176171 (cited by Ambry Genetics); PubMed 36264615 (cited by Ambry Genetics); PubMed 37334785 (cited by Ambry Genetics).